The following is an entry in ClinVar:

NM_001009994.3(RIPPLY2):c.25G>T (p.Gly9Cys)

Genes: RIPPLY2 (ripply transcriptional repressor 2; plus strand), RIPPLY2-CYB5R4 (RIPPLY2-CYB5R4 readthrough; plus strand). Cytogenetic location: 6q14.2.
Variant type: single nucleotide variant.
Coding change: c.25G>T on transcript NM_001009994.3 (MANE Select); coding-DNA position 25, G replaced by T.
Protein change: p.Gly9Cys; replaces glycine 9 with cysteine.
Molecular consequence: missense variant.
Genome position (GRCh38, 1-based): chr6:83,853,441, G>T. VCF-style: chr6-83853441-G-T. GRCh37 (hg19) VCF-style: chr6-84563160-G-T.
Other names: c.25G>T (NM_001009994.1); short protein forms G9C.
Identifiers: ClinVar variation 1439524 (VCV001439524.7), dbSNP rs987143487, ClinGen allele CA365048885.

ClinVar aggregate classification (germline): Uncertain significance. Review status: criteria provided, multiple submitters, no conflicts (2 of 4 stars). 2 submissions from 2 submitters: Uncertain significance (2). Last evaluated 2025-08-31.

Allele frequency attached by ClinVar (database versions not stated): gnomAD exomes 0.00005.
gnomAD v4.1: 42 of 1,543,878 alleles (0.0027%); highest among the groups gnomAD compares: Middle Eastern, 0.08%; no homozygotes.

Submissions (2):

Ambry Genetics
Classification: Uncertain significance. Last evaluated: 2025-08-31. Review status: criteria provided, single submitter. Criteria: Ambry Variant Classification Scheme 2023. Collection method: clinical testing. Allele origin: germline.

Labcorp Genetics (formerly Invitae), Labcorp
Classification: Uncertain significance. Last evaluated: 2021-12-08. Review status: criteria provided, single submitter. Criteria: Invitae Variant Classification Sherloc (09022015). Collection method: clinical testing. Allele origin: germline.
Comment: Algorithms developed to predict the effect of missense changes on protein structure and function are either unavailable or do not agree on the potential impact of this missense change (SIFT: "Tolerated"; PolyPhen-2: "Not Available"; Align-GVGD: "Class C0"). In summary, the available evidence is currently insufficient to determine the role of this variant in disease. Therefore, it has been classified as a Variant of Uncertain Significance. This variant has not been reported in the literature in individuals affected with RIPPLY2-related conditions. The frequency data for this variant in the population databases is considered unreliable, as metrics indicate poor data quality at this position in the gnomAD database. This sequence change replaces glycine, which is neutral and non-polar, with cysteine, which is neutral and slightly polar, at codon 9 of the RIPPLY2 protein (p.Gly9Cys).